The following is an entry in ClinVar:

ClinVar aggregate classification (germline): Likely benign (0 of 4 stars; one submission).

Conditions:
CREBBP-related disorder. Also called: CREBBP-related condition; CREBBP-related disorders.

Submission:

PreventionGenetics, part of Exact Sciences
Classification: Likely benign for CREBBP-related condition. Last evaluated: 2021-11-09. Review status: no assertion criteria provided. Collection method: clinical testing. Allele origin: germline.
Comment: This variant is classified as likely benign based on ACMG/AMP sequence variant interpretation guidelines (Richards et al. 2015 PMID: 25741868, with internal and published modifications).

NM_004380.3(CREBBP):c.727C>T (p.Leu243=)

Gene: CREBBP (CREB binding lysine acetyltransferase; minus strand). Cytogenetic location: 16p13.3.
Variant type: single nucleotide variant.
Coding change: c.727C>T on transcript NM_004380.3 (MANE Select); coding-DNA position 727, C replaced by T.
Protein change: p.Leu243=; no amino-acid change (leucine 243 retained).
Molecular consequence: synonymous variant.
Genome position (GRCh38, 1-based): chr16:3,850,368, G>A on the plus strand (C>T on the coding strand, the complement: CREBBP is on the minus strand). VCF-style: chr16-3850368-G-A. GRCh37 (hg19) VCF-style: chr16-3900369-G-A.
Other names: c.727C>T, p.Leu243= (NM_001079846.1).
Identifiers: ClinVar variation 3357198 (VCV003357198.1).
Genomic context (GRCh38, chr16:3,850,368, plus strand): 5'-CTCCTGCCTGTGCGGTGTTCAGTCCCGCGTGACCAGTCATTTGCGGGGAAACCTGCGTTA[G>A]GGTCTCAGCCAGCACGCTGCTCGAGGCGCCCTGCATGGCTGGAGTAGGGTACGGCATTCC-3'
Protein context (NP_004371.2, residues 233-253): GASSSVLAET[Leu243=]TQVSPQMTGH